The following is an entry in ClinVar:

NM_001128228.3(TPRN):c.36C>G (p.Arg12=)

Genes: TPRN (taperin; minus strand), LOC130003093 (ATAC-STARR-seq lymphoblastoid silent region 20590; plus strand). Cytogenetic location: 9q34.3.
Variant type: single nucleotide variant.
Coding change: c.36C>G on transcript NM_001128228.3 (MANE Select); coding-DNA position 36, C replaced by G.
Protein change: p.Arg12=; no amino-acid change (arginine 12 retained).
Molecular consequence: synonymous variant.
Genome position (GRCh38, 1-based): chr9:137,200,676, G>C on the plus strand (C>G on the coding strand, the complement: TPRN is on the minus strand). VCF-style: chr9-137200676-G-C. GRCh37 (hg19) VCF-style: chr9-140095128-G-C.
Identifiers: ClinVar variation 3771594 (VCV003771594.13).

ClinVar aggregate classification (germline): Likely benign (1 of 4 stars; one submission).

gnomAD v4.1: 15 of 1,228,212 alleles (0.0012%); highest among the groups gnomAD compares: Non-Finnish European, 0.0015%; no homozygotes.

Submission:

CeGaT Center for Human Genetics Tuebingen
Classification: Likely benign. Last evaluated: 2024-12-01. Review status: criteria provided, single submitter. Criteria: CeGaT Center For Human Genetics Tuebingen Variant Classification Criteria Version 2. Collection method: clinical testing. Allele origin: germline. Affected: yes. Observed: 1 variant allele.
Comment: TPRN: BP4, BP7